The following is an entry in ClinVar:

NM_001999.4(FBN2):c.2358C>T (p.Asn786=)

Gene: FBN2 (fibrillin 2; minus strand). Cytogenetic location: 5q23.3.
Variant type: single nucleotide variant.
Coding change: c.2358C>T on transcript NM_001999.4 (MANE Select); coding-DNA position 2358, C replaced by T.
Protein change: p.Asn786=; no amino-acid change (asparagine 786 retained).
Molecular consequence: synonymous variant.
Genome position (GRCh38, 1-based): chr5:128,364,670, G>A on the plus strand (C>T on the coding strand, the complement: FBN2 is on the minus strand). VCF-style: chr5-128364670-G-A. GRCh37 (hg19) VCF-style: chr5-127700363-G-A.
Identifiers: ClinVar variation 392608 (VCV000392608.13), dbSNP rs371981691, ClinGen allele CA3395574.
Genomic context (GRCh38, chr5:128,364,670, plus strand): 5'-TCTTCCAGAGGCATCTGGTTCATAGCCACTGTTGCAATTACAACGGTAACTACCACGTAA[G>A]TTTTCACAAATCCCATTGGCACATATATCAGGATCCAAAGCACATTCATTGATATCTGCA-3'
Protein context (NP_001990.2, residues 776-796): PDICANGICE[Asn786=]LRGSYRCNCN

ClinVar aggregate classification (germline): Likely benign. Review status: criteria provided, multiple submitters, no conflicts (2 of 4 stars). 5 submissions from 5 submitters: Likely benign (5). Last evaluated 2024-01-24.

Conditions:
Familial thoracic aortic aneurysm and aortic dissection (TAAD). Also called: Thoracic aortic aneurysms and dissections. Identifiers: Orphanet 91387, MedGen C4707243, MONDO:0019625.
Congenital contractural arachnodactyly (CCA). Also called: BEALS SYNDROME; Arthrogryposis, distal, type 9; Beals-Hecht syndrome. Identifiers: Orphanet 115, MedGen C0220668, MONDO:0007363, OMIM 121050.

Allele frequency attached by ClinVar (database versions not stated): gnomAD exomes 0.00002; ExAC 0.00003; TOPMed 0.00003; gnomAD 0.00004; ESP Exome Variant Server 0.00008.
gnomAD v4.1: 29 of 1,613,326 alleles (0.0018%); highest among the groups gnomAD compares: Middle Eastern, 0.083%; no homozygotes.

Submissions (5):

Labcorp Genetics (formerly Invitae), Labcorp
Classification: Likely benign for Congenital contractural arachnodactyly. Last evaluated: 2024-01-24. Review status: criteria provided, single submitter. Criteria: Invitae Variant Classification Sherloc (09022015). Collection method: clinical testing. Allele origin: germline.

Blueprint Genetics
Classification: Likely benign. Last evaluated: 2023-06-22. Review status: criteria provided, single submitter. Criteria: ACMG Guidelines, 2015. Collection method: clinical testing. Allele origin: germline.

Ambry Genetics
Classification: Likely benign for Familial thoracic aortic aneurysm and aortic dissection. Last evaluated: 2023-03-13. Review status: criteria provided, single submitter. Criteria: Ambry Variant Classification Scheme 2023. Collection method: clinical testing. Allele origin: germline.

GeneDx
Classification: Likely benign. Last evaluated: 2017-01-10. Review status: criteria provided, single submitter. Criteria: GeneDx Variant Classification (06012015). Collection method: clinical testing. Allele origin: germline. Affected: yes.
Comment: This variant is considered likely benign or benign based on one or more of the following criteria: it is a conservative change, it occurs at a poorly conserved position in the protein, it is predicted to be benign by multiple in silico algorithms, and/or has population frequency not consistent with disease.

Breakthrough Genomics
Classification: Likely benign. Review status: criteria provided, single submitter. Criteria: ACMG Guidelines, 2015. Collection method: not provided. Allele origin: germline. Inheritance: Autosomal dominant inheritance. Affected: yes.